The following is an entry in ClinVar:

ClinVar aggregate classification (germline): Benign/Likely benign. Review status: criteria provided, multiple submitters, no conflicts (2 of 4 stars). 3 submissions from 3 submitters: Benign (1); Likely benign (2). Last evaluated 2025-07-27.

Conditions:
Hereditary cancer-predisposing syndrome. Also called: Hereditary Cancer Syndrome; Hereditary neoplastic syndrome; Neoplastic Syndromes, Hereditary; Tumor predisposition. Identifiers: Orphanet 140162, MedGen C0027672, MeSH D009386, MONDO:0015356.
Mitochondrial complex II deficiency, nuclear type 1. Also called: SUCCINATE CoQ REDUCTASE DEFICIENCY. Identifiers: Orphanet 3208, MedGen C5700310, MONDO:0100294, OMIM 252011.
Pheochromocytoma/paraganglioma syndrome 5. Also called: Paragangliomas 5; SDHA-Related Hereditary Paraganglioma-Pheochromocytoma Syndrome. Identifiers: Orphanet 29072, MedGen C3279992, MONDO:0013602, OMIM 614165.

Submissions (3):

Labcorp Genetics (formerly Invitae), Labcorp
Classification: Likely benign for Pheochromocytoma/paraganglioma syndrome 5; Mitochondrial complex II deficiency, nuclear type 1. Last evaluated: 2025-07-27. Review status: criteria provided, single submitter. Criteria: Invitae Variant Classification Sherloc (09022015). Collection method: clinical testing. Allele origin: germline.

Myriad Genetics, Inc.
Classification: Benign for Pheochromocytoma/paraganglioma syndrome 5. Last evaluated: 2025-03-10. Review status: criteria provided, single submitter. Criteria: Myriad Autosomal Dominant, Autosomal Recessive and X-Linked Classification Criteria (2023). Collection method: clinical testing. Allele origin: unknown.
Comment: This variant is considered benign. This variant is a silent/synonymous amino acid change and it is not expected to impact splicing.

Ambry Genetics
Classification: Likely benign for Hereditary cancer-predisposing syndrome. Last evaluated: 2015-03-06. Review status: criteria provided, single submitter. Criteria: Ambry Variant Classification Scheme 2023. Collection method: clinical testing. Allele origin: germline.

NM_004168.4(SDHA):c.1533G>A (p.Leu511=)

Gene: SDHA (succinate dehydrogenase complex flavoprotein subunit A; plus strand). Cytogenetic location: 5p15.33.
Variant type: single nucleotide variant.
Coding change: c.1533G>A on transcript NM_004168.4 (MANE Select); coding-DNA position 1533, G replaced by A.
Protein change: p.Leu511=; no amino-acid change (leucine 511 retained).
Molecular consequence: synonymous variant.
Genome position (GRCh38, 1-based): chr5:240,458, G>A. VCF-style: chr5-240458-G-A. GRCh37 (hg19) VCF-style: chr5-240573-G-A.
Other names: c.1389G>A, p.Leu463= (NM_001294332.2); c.1533G>A, p.Leu511= (NM_001330758.2).
Identifiers: ClinVar variation 230668 (VCV000230668.15), dbSNP rs876658698, ClinGen allele CA10578631.